The following is an entry in ClinVar:

NM_000214.3(JAG1):c.499T>G (p.Trp167Gly)

Gene: JAG1 (jagged canonical Notch ligand 1; minus strand). Cytogenetic location: 20p12.2.
Variant type: single nucleotide variant.
Coding change: c.499T>G on transcript NM_000214.3 (MANE Select); coding-DNA position 499, T replaced by G.
Protein change: p.Trp167Gly; replaces tryptophan 167 with glycine.
Molecular consequence: missense variant.
Genome position (GRCh38, 1-based): chr20:10,658,663, A>C on the plus strand (T>G on the coding strand, the complement: JAG1 is on the minus strand). VCF-style: chr20-10658663-A-C. GRCh37 (hg19) VCF-style: chr20-10639311-A-C.
Other names: short protein forms W167G.
Identifiers: ClinVar variation 3573046 (VCV003573046.2).
Genomic context (GRCh38, chr20:10,658,663, plus strand): 5'-AGGTCACGCGGATCTGATACTCAAAGTGGGCAACGCCCGTGTTCTGCTTCAGCGTCTGCC[A>C]CTGCCGGCTGGGGTTGATCATGCCCGAGTGAGAAGCCTTTTCAATAATACTGTCAGGTTC-3'
Protein context (NP_000205.1, residues 157-177): HSGMINPSRQ[Trp167Gly]QTLKQNTGVA

Conditions:
Arteriohepatic dysplasia. Also called: Alagille Syndrome. Identifiers: Orphanet 52, MedGen C0085280, MeSH D016738, MONDO:0007318.

Submission:

Gilbert/Spinner Lab, Children's Hospital of Philadelphia
No classification provided (evidence only). Condition: Alagille syndrome. Review status: no classification provided. Collection method: research. Allele origin: not applicable. Functional consequence: functionally_abnormal.
ClinVar note: "not provided" was previously submitted as the classification for the variant. However, the classification appeared to be based only on an observation of functional data so it was converted to no classification on 2025-07-30.